The following is an entry in ClinVar:

NM_002691.4(POLD1):c.3149G>A (p.Arg1050His)

Gene: POLD1 (DNA polymerase delta 1, catalytic subunit; plus strand). Cytogenetic location: 19q13.33.
Variant type: single nucleotide variant.
Coding change: c.3149G>A on transcript NM_002691.4 (MANE Select); coding-DNA position 3149, G replaced by A.
Protein change: p.Arg1050His; replaces arginine 1050 with histidine.
Molecular consequence: missense variant. On other transcripts: non-coding transcript variant (1).
Genome position (GRCh38, 1-based): chr19:50,417,200, G>A. VCF-style: chr19-50417200-G-A. GRCh37 (hg19) VCF-style: chr19-50920457-G-A.
Other names: c.3149G>A, p.Arg1050His (NM_001256849.1); c.3227G>A, p.Arg1076His (NM_001308632.1); short protein forms R1050H, R1076H.
Identifiers: ClinVar variation 408018 (VCV000408018.13), dbSNP rs1060501824, ClinGen allele CA16616428.

ClinVar aggregate classification (germline): Conflicting classifications of pathogenicity. Review status: criteria provided, conflicting classifications (1 of 4 stars). 3 submissions from 3 submitters: Uncertain significance (2); Likely benign (1). Last evaluated 2025-11-12.

Conditions:
Hereditary cancer-predisposing syndrome. Also called: Neoplastic Syndromes, Hereditary; Hereditary neoplastic syndrome; Hereditary Cancer Syndrome; Tumor predisposition. Identifiers: Orphanet 140162, MedGen C0027672, MeSH D009386, MONDO:0015356.
POLD1-related polyposis and colorectal cancer syndrome (CRCS10). Also called: Colorectal cancer, susceptibility to, 10; Colorectal cancer 10; COLORECTAL CANCER, SUSCEPTIBILITY TO, ON CHROMOSOME 19q. Identifiers: Orphanet 220460, MedGen C2675481, MONDO:0012953, OMIM 612591.

Allele frequency attached by ClinVar (database versions not stated): gnomAD 0.00001; TOPMed 0.00001.
gnomAD v4.1: 5 of 1,606,428 alleles (0.00031%); highest among the groups gnomAD compares: African/African-American, 0.0013%; no homozygotes.

Submissions (3):

Labcorp Genetics (formerly Invitae), Labcorp
Classification: Uncertain significance for POLD1-related polyposis and colorectal cancer syndrome. Last evaluated: 2025-11-12. Review status: criteria provided, single submitter. Criteria: Invitae Variant Classification Sherloc (09022015). Collection method: clinical testing. Allele origin: germline.
Comment: This sequence change replaces arginine, which is basic and polar, with histidine, which is basic and polar, at codon 1050 of the POLD1 protein (p.Arg1050His). The frequency data for this variant in the population databases is considered unreliable, as metrics indicate poor data quality at this position in the gnomAD database. This variant has not been reported in the literature in individuals affected with POLD1-related conditions. ClinVar contains an entry for this variant (Variation ID: 408018). Invitae Evidence Modeling of protein sequence and biophysical properties (such as structural, functional, and spatial information, amino acid conservation, physicochemical variation, residue mobility, and thermodynamic stability) indicates that this missense variant is not expected to disrupt POLD1 protein function with a negative predictive value of 80%. In summary, the available evidence is currently insufficient to determine the role of this variant in disease. Therefore, it has been classified as a Variant of Uncertain Significance.

Ambry Genetics
Classification: Likely benign for Hereditary cancer-predisposing syndrome. Last evaluated: 2025-04-09. Review status: criteria provided, single submitter. Criteria: Ambry Variant Classification Scheme 2023. Collection method: clinical testing. Allele origin: germline.

Clinical Genetics Laboratory, Skane University Hospital Lund
Classification: Uncertain significance. Last evaluated: 2022-05-27. Review status: criteria provided, single submitter. Criteria: ACMG Guidelines, 2015. Collection method: clinical testing. Allele origin: germline. Affected: yes.